The following is an entry in ClinVar:

NM_017491.5(WDR1):c.1338C>T (p.Tyr446=)

Gene: WDR1 (WD repeat domain 1; minus strand). Cytogenetic location: 4p16.1.
Variant type: single nucleotide variant.
Coding change: c.1338C>T on transcript NM_017491.5 (MANE Select); coding-DNA position 1338, C replaced by T.
Protein change: p.Tyr446=; no amino-acid change (tyrosine 446 retained).
Molecular consequence: synonymous variant.
Genome position (GRCh38, 1-based): chr4:10,078,948, G>A on the plus strand (C>T on the coding strand, the complement: WDR1 is on the minus strand). VCF-style: chr4-10078948-G-A. GRCh37 (hg19) VCF-style: chr4-10080572-G-A.
Other names: p.Tyr446=; c.1338C>T (NM_017491.3); c.918C>T, p.Tyr306= (NM_005112.5).
Identifiers: ClinVar variation 1164375 (VCV001164375.44), dbSNP rs141888900, ClinGen allele CA2857609.

ClinVar aggregate classification (germline): Benign/Likely benign. Review status: criteria provided, multiple submitters, no conflicts (2 of 4 stars). 5 submissions from 5 submitters: Benign (1); Likely benign (3). 1 of the submissions does not count toward it. Last evaluated 2026-01-23.

Conditions:
WDR1-related disorder. Also called: WDR1-related condition.

Allele frequency attached by ClinVar (database versions not stated): 1000 Genomes Project 30x 0.00219; ESP Exome Variant Server 0.00266; ExAC 0.00049; gnomAD 0.00147 and 0.00158; gnomAD exomes 0.00015 and 0.00038; 1000 Genomes Project 0.00160; TOPMed 0.00165.
gnomAD v4.1: 469 of 1,612,676 alleles (0.029%); highest among the groups gnomAD compares: African/African-American, 0.53%; no homozygotes.

Submissions (5):

Labcorp Genetics (formerly Invitae), Labcorp
Classification: Benign. Last evaluated: 2026-01-23. Review status: criteria provided, single submitter. Criteria: Invitae Variant Classification Sherloc (09022015). Collection method: clinical testing. Allele origin: germline.

Mayo Clinic Laboratories, Mayo Clinic
Classification: Likely benign. Last evaluated: 2025-10-23. Review status: criteria provided, single submitter. Criteria: ACMG Guidelines, 2015. Collection method: clinical testing. Allele origin: germline. Observed: 1 variant allele.
Comment: BP4, BP7

Blueprint Genetics
Classification: Likely benign. Last evaluated: 2024-08-28. Review status: criteria provided, single submitter. Criteria: ACMG Guidelines, 2015. Collection method: clinical testing. Allele origin: germline.

CeGaT Center for Human Genetics Tuebingen
Classification: Likely benign. Last evaluated: 2021-04-01. Review status: criteria provided, single submitter. Criteria: CeGaT Center For Human Genetics Tuebingen Variant Classification Criteria Version 2. Collection method: clinical testing. Allele origin: germline. Affected: yes. Observed: 1 variant allele.

PreventionGenetics, part of Exact Sciences
Classification: Likely benign for WDR1-related condition. Last evaluated: 2022-01-31. Review status: no assertion criteria provided. Collection method: clinical testing. Allele origin: germline. Not counted in ClinVar's aggregate classification.
Comment: This variant is classified as likely benign based on ACMG/AMP sequence variant interpretation guidelines (Richards et al. 2015 PMID: 25741868, with internal and published modifications).